The following is an entry in ClinVar:

ClinVar aggregate classification (germline): Likely benign (1 of 4 stars; one submission).

Allele frequency attached by ClinVar (database versions not stated): 1000 Genomes Project 30x 0.00047; TOPMed 0.00056; gnomAD 0.00086; ExAC 0.00369.

Submission:

CeGaT Center for Human Genetics Tuebingen
Classification: Likely benign. Last evaluated: 2022-10-01. Review status: criteria provided, single submitter. Criteria: CeGaT Center For Human Genetics Tuebingen Variant Classification Criteria Version 2. Collection method: clinical testing. Allele origin: germline. Affected: yes. Observed: 3 variant alleles.
Comment: HSPA6: BP4, BP7

NM_002155.5(HSPA6):c.147C>G (p.Thr49=)

Gene: HSPA6 (heat shock protein family A (Hsp70) member 6; plus strand). Cytogenetic location: 1q23.3.
Variant type: single nucleotide variant.
Coding change: c.147C>G on transcript NM_002155.5 (MANE Select); coding-DNA position 147, C replaced by G.
Protein change: p.Thr49=; no amino-acid change (threonine 49 retained).
Molecular consequence: synonymous variant.
Genome position (GRCh38, 1-based): chr1:161,524,805, C>G. VCF-style: chr1-161524805-C-G. GRCh37 (hg19) VCF-style: chr1-161494595-C-G.
Identifiers: ClinVar variation 2639512 (VCV002639512.24), dbSNP rs752495693, ClinGen allele CA1210860.